The following is an entry in ClinVar:

ClinVar aggregate classification (germline): Likely pathogenic (1 of 4 stars; one submission).

Submission:

Labcorp Genetics (formerly Invitae), Labcorp
Classification: Likely pathogenic. Last evaluated: 2025-09-09. Review status: criteria provided, single submitter. Criteria: Invitae Variant Classification Sherloc (09022015). Collection method: clinical testing. Allele origin: germline.
Comment: This sequence change replaces glycine, which is neutral and non-polar, with arginine, which is basic and polar, at codon 427 of the COMP protein (p.Gly427Arg). This variant is not present in population databases (gnomAD no frequency). This variant has not been reported in the literature in individuals affected with COMP-related conditions. ClinVar contains an entry for this variant (Variation ID: 1501014). Invitae Evidence Modeling of protein sequence and biophysical properties (such as structural, functional, and spatial information, amino acid conservation, physicochemical variation, residue mobility, and thermodynamic stability) indicates that this missense variant is expected to disrupt COMP protein function with a positive predictive value of 80%. This variant disrupts the p.Gly427 amino acid residue in COMP. Other variant(s) that disrupt this residue have been determined to be pathogenic (PMID: 9756911, 9880218, 21922596; internal data). This suggests that this residue is clinically significant, and that variants that disrupt this residue are likely to be disease-causing. In summary, the currently available evidence indicates that the variant is pathogenic, but additional data are needed to prove that conclusively. Therefore, this variant has been classified as Likely Pathogenic.

Literature cited by the submitters: PubMed 9756911; PubMed 9880218; PubMed 21922596.

NM_000095.3(COMP):c.1279G>C (p.Gly427Arg)

Gene: COMP (cartilage oligomeric matrix protein; minus strand). Cytogenetic location: 19p13.11.
Variant type: single nucleotide variant.
Coding change: c.1279G>C on transcript NM_000095.3 (MANE Select); coding-DNA position 1279, G replaced by C.
Protein change: p.Gly427Arg; replaces glycine 427 with arginine.
Molecular consequence: missense variant.
Genome position (GRCh38, 1-based): chr19:18,786,267, C>G on the plus strand (G>C on the coding strand, the complement: COMP is on the minus strand). VCF-style: chr19-18786267-C-G. GRCh37 (hg19) VCF-style: chr19-18897077-C-G.
Other names: short protein forms G427R.
Identifiers: ClinVar variation 1501014 (VCV001501014.8), dbSNP rs2145901035, ClinGen allele CA404885865.